The following is an entry in ClinVar:

ClinVar aggregate classification (germline): Uncertain significance. Review status: criteria provided, multiple submitters, no conflicts (2 of 4 stars). 2 submissions from 2 submitters: Uncertain significance (2). Last evaluated 2024-07-16.

Conditions:
Spondylocostal dysostosis 4, autosomal recessive (SCDO4). Also called: HES7-Related Spondylocostal Dysostosis, Autosomal Recessive. Identifiers: Orphanet 2311, MedGen C3150942, MONDO:0013366, OMIM 613686.

Allele frequency attached by ClinVar (database versions not stated): gnomAD exomes 0.00001.

Submissions (2):

Labcorp Genetics (formerly Invitae), Labcorp
Classification: Uncertain significance. Last evaluated: 2024-07-16. Review status: criteria provided, single submitter. Criteria: Invitae Variant Classification Sherloc (09022015). Collection method: clinical testing. Allele origin: germline.
Comment: This sequence change replaces isoleucine, which is neutral and non-polar, with arginine, which is basic and polar, at codon 58 of the HES7 protein (p.Ile58Arg). This variant is present in population databases (no rsID available, gnomAD 0.006%). This variant has not been reported in the literature in individuals affected with HES7-related conditions. ClinVar contains an entry for this variant (Variation ID: 1705721). An algorithm developed to predict the effect of missense changes on protein structure and function (PolyPhen-2) suggests that this variant is likely to be disruptive. In summary, the available evidence is currently insufficient to determine the role of this variant in disease. Therefore, it has been classified as a Variant of Uncertain Significance.

3billion
Classification: Uncertain significance for Spondylocostal dysostosis 4, autosomal recessive. Last evaluated: 2022-09-01. Review status: criteria provided, single submitter. Criteria: ACMG Guidelines, 2015. Collection method: clinical testing. Allele origin: germline. Affected: yes. Observed: 1 homozygote.
Comment: The variant is observed at an extremely low frequency in the gnomAD v2.1.1 dataset (total allele frequency: <0.001%). Missense changes are a common disease-causing mechanism. In silico tool predictions suggest damaging effect of the variant on gene or gene product (REVEL: 0.93; 3Cnet: 0.84). A different missense change at the same codon (p.Ile58Val) has been reported to be associated with HES7-related disorder (ClinVar ID: VCV000030698 / PMID: 20087400). This variant is classified as Likely Pathogenic according to the recommendation of ACMG/AMP guideline.

Literature cited by the submitters: PubMed 20087400 (cited by 3billion).

NM_001165967.2(HES7):c.173T>G (p.Ile58Arg)

Gene: HES7 (hes family bHLH transcription factor 7; minus strand). Cytogenetic location: 17p13.1.
Variant type: single nucleotide variant.
Coding change: c.173T>G on transcript NM_001165967.2 (MANE Select); coding-DNA position 173, T replaced by G.
Protein change: p.Ile58Arg; replaces isoleucine 58 with arginine.
Molecular consequence: missense variant.
Genome position (GRCh38, 1-based): chr17:8,122,396, A>C on the plus strand (T>G on the coding strand, the complement: HES7 is on the minus strand). VCF-style: chr17-8122396-A-C. GRCh37 (hg19) VCF-style: chr17-8025714-A-C.
Other names: c.173T>G, p.Ile58Arg (NM_032580.4); short protein forms I58R.
Identifiers: ClinVar variation 1705721 (VCV001705721.4), dbSNP rs933336393, ClinGen allele CA287537715.